The following is an entry in ClinVar:

NM_152743.4(BRAT1):c.766G>T (p.Ala256Ser)

Gene: BRAT1 (BRCA1 associated ATM activator 1; minus strand). Cytogenetic location: 7p22.3.
Variant type: single nucleotide variant.
Coding change: c.766G>T on transcript NM_152743.4 (MANE Select); coding-DNA position 766, G replaced by T.
Protein change: p.Ala256Ser; replaces alanine 256 with serine.
Molecular consequence: missense variant. On other transcripts: non-coding transcript variant (1).
Genome position (GRCh38, 1-based): chr7:2,543,627, C>A on the plus strand (G>T on the coding strand, the complement: BRAT1 is on the minus strand). VCF-style: chr7-2543627-C-A. GRCh37 (hg19) VCF-style: chr7-2583261-C-A.
Other names: c.766G>T, p.Ala256Ser (NM_001350626.2); c.241G>T, p.Ala81Ser (NM_001350627.2); c.766G>T (NM_152743.3); short protein forms A256S, A81S.
Identifiers: ClinVar variation 2044265 (VCV002044265.2), dbSNP rs1005270374, ClinGen allele CA366631830.

ClinVar aggregate classification (germline): Uncertain significance. Review status: criteria provided, multiple submitters, no conflicts (2 of 4 stars). 2 submissions from 2 submitters: Uncertain significance (2). Last evaluated 2024-01-23.

Conditions:
Inborn genetic diseases. Identifiers: MedGen C0950123, MeSH D030342.
Neonatal-onset encephalopathy with rigidity and seizures. Also called: Lethal neonatal spasticity-epileptic encephalopathy syndrome. Identifiers: Orphanet 435845, MedGen C3281029, MONDO:0013784, OMIM 614498.

Submissions (2):

Ambry Genetics
Classification: Uncertain significance for Inborn genetic diseases. Last evaluated: 2024-01-23. Review status: criteria provided, single submitter. Criteria: Ambry Variant Classification Scheme 2023. Collection method: clinical testing. Allele origin: germline.

Labcorp Genetics (formerly Invitae), Labcorp
Classification: Uncertain significance for Neonatal-onset encephalopathy with rigidity and seizures. Last evaluated: 2021-12-16. Review status: criteria provided, single submitter. Criteria: Invitae Variant Classification Sherloc (09022015). Collection method: clinical testing. Allele origin: germline.
Comment: This sequence change replaces alanine, which is neutral and non-polar, with serine, which is neutral and polar, at codon 256 of the BRAT1 protein (p.Ala256Ser). This variant is not present in population databases (gnomAD no frequency). This variant has not been reported in the literature in individuals affected with BRAT1-related conditions. Algorithms developed to predict the effect of missense changes on protein structure and function output the following: SIFT: "Tolerated"; PolyPhen-2: "Benign"; Align-GVGD: "Class C0". The serine amino acid residue is found in multiple mammalian species, which suggests that this missense change does not adversely affect protein function. In summary, the available evidence is currently insufficient to determine the role of this variant in disease. Therefore, it has been classified as a Variant of Uncertain Significance.